The following is an entry in ClinVar:

ClinVar aggregate classification (germline): Pathogenic (1 of 4 stars; one submission).

Conditions:
DYRK1A-related intellectual disability syndrome (MRD7). Also called: DYRK1A Syndrome; Intellectual developmental disorder, autosomal dominant 7. Identifiers: Orphanet 464306, MedGen C5568143, MONDO:0013578, OMIM 614104.

Submission:

Division of Genetic & Genomic Pathology, Hong Kong Children's Hospital
Classification: Pathogenic for DYRK1A-related intellectual disability syndrome. Last evaluated: 2025-05-15. Review status: criteria provided, single submitter. Criteria: ACMG Guidelines, 2015. Collection method: clinical testing. Allele origin: de novo. Affected: yes.
Comment: DYRK1A c.1167dup is a 1-bp duplication variant located in exon 9 of the gene (out of 12 exons). It is predicted to induce nonsense-mediated mRNA decay. ClinGen has classified DYRK1A as a haploinsufficient gene. This variant is absent in population database (gnomAD v2.1.1 & v4.1.0), and has not been deposited in variant databases (ClinVar & HGMD Professional 2024.3). This variant was not detected in either parents, and therefore is assumed to arose de novo. For these reasons, DYRK1A c.1167dup is classified as pathogenic.

NM_001347721.2(DYRK1A):c.1167dup (p.Pro390fs)

Gene: DYRK1A (dual specificity tyrosine phosphorylation regulated kinase 1A; plus strand). Cytogenetic location: 21q22.13.
Variant type: Duplication.
Coding change: c.1167dup on transcript NM_001347721.2 (MANE Select); coding-DNA position 1167, one base duplicated (G; older notation c.1167dupG).
Protein change: p.Pro390fs; shifts the reading frame from proline 390.
Molecular consequence: frameshift variant.
Genome position (GRCh38, 1-based): chr21:37,496,213, G duplicated. VCF-style (leftmost placement, unchanged base first): chr21-37496212-T-TG. GRCh37 (hg19) VCF-style: chr21-38868514-T-TG.
Other names: c.1167dup, p.Pro390fs (NM_001347722.2, NM_130436.2); c.1080dup, p.Pro361fs (NM_001347723.2); c.1194dup, p.Pro399fs (NM_001396.5, NM_101395.2, NM_130438.2); short protein forms P361fs, P390fs, P399fs.
Identifiers: ClinVar variation 4884408 (VCV004884408.1).